The following is an entry in ClinVar:

ClinVar aggregate classification (germline): Uncertain significance. Review status: criteria provided, multiple submitters, no conflicts (2 of 4 stars). 2 submissions from 2 submitters: Uncertain significance (2). Last evaluated 2025-03-17.

Conditions:
Hereditary cancer-predisposing syndrome. Also called: Hereditary neoplastic syndrome; Neoplastic Syndromes, Hereditary; Tumor predisposition; Hereditary Cancer Syndrome. Identifiers: Orphanet 140162, MedGen C0027672, MeSH D009386, MONDO:0015356.

Submissions (2):

Ambry Genetics
Classification: Uncertain significance for Hereditary cancer-predisposing syndrome. Last evaluated: 2025-03-17. Review status: criteria provided, single submitter. Criteria: Ambry Variant Classification Scheme 2023. Collection method: clinical testing. Allele origin: germline.
Comment: The c.2943_2944delGAinsCT (also known as p.S982C) variant, located in coding exon 21 of the MSH3 gene, results from an in-frame deletion of GA and insertion of CT at nucleotide positions 2943 to 2944. This results in the substitution of the serine residue for a cysteine residue at codon 982. This amino acid position is highly conserved in available vertebrate species. In addition, the in silico prediction for this alteration is inconclusive (Choi Y et al. PLoS ONE. 2012; 7(10):e46688). Based on the available evidence, the clinical significance of this variant remains unclear.

Labcorp Genetics (formerly Invitae), Labcorp
Classification: Uncertain significance. Last evaluated: 2023-07-08. Review status: criteria provided, single submitter. Criteria: Invitae Variant Classification Sherloc (09022015). Collection method: clinical testing. Allele origin: germline.
Comment: In summary, the available evidence is currently insufficient to determine the role of this variant in disease. Therefore, it has been classified as a Variant of Uncertain Significance. Experimental studies and prediction algorithms are not available or were not evaluated, and the functional significance of this variant is currently unknown. ClinVar contains an entry for this variant (Variation ID: 941901). This variant has not been reported in the literature in individuals affected with MSH3-related conditions. Information on the frequency of this variant in the gnomAD database is not available, as this variant may be reported differently in the database. This sequence change replaces serine, which is neutral and polar, with cysteine, which is neutral and slightly polar, at codon 982 of the MSH3 protein (p.Ser982Cys).

NM_002439.5(MSH3):c.2943_2944delinsCT (p.Ser982Cys)

Gene: MSH3 (mutS homolog 3; plus strand). Cytogenetic location: 5q14.1.
Variant type: Indel.
Coding change: c.2943_2944delinsCT on transcript NM_002439.5 (MANE Select); coding-DNA positions 2943 to 2944, GA replaced by CT.
Protein change: p.Ser982Cys; replaces serine 982 with cysteine.
Molecular consequence: missense variant.
Genome position (GRCh38, 1-based): chr5:80,854,259-80,854,260, GA replaced by CT. VCF-style: chr5-80854259-GA-CT. GRCh37 (hg19) VCF-style: chr5-80150078-GA-CT.
Other names: c.2943_2944delGAinsCT (NM_002439.3); short protein forms S982C.
Identifiers: ClinVar variation 941901 (VCV000941901.9), dbSNP rs1745879719, ClinGen allele CA1139658916.